The following is an entry in ClinVar:

NM_145868.2(ANXA11):c.190A>G (p.Thr64Ala)

Gene: ANXA11 (annexin A11; minus strand). Cytogenetic location: 10q22.3.
Variant type: single nucleotide variant.
Coding change: c.190A>G on transcript NM_145868.2 (MANE Select); coding-DNA position 190, A replaced by G.
Protein change: p.Thr64Ala; replaces threonine 64 with alanine.
Molecular consequence: missense variant.
Genome position (GRCh38, 1-based): chr10:80,169,340, T>C on the plus strand (A>G on the coding strand, the complement: ANXA11 is on the minus strand). VCF-style: chr10-80169340-T-C. GRCh37 (hg19) VCF-style: chr10-81929096-T-C.
Other names: c.190A>G (NM_145869.1); c.190A>G, p.Thr64Ala (NM_001157.3, NM_001278407.2, NM_001278408.2 and 1 more transcripts); c.91A>G, p.Thr31Ala (NM_001278409.2); short protein forms T64A, T31A.
Identifiers: ClinVar variation 2208441 (VCV002208441.6), dbSNP rs775879177, ClinGen allele CA5576340.

ClinVar aggregate classification (germline): Uncertain significance. Review status: criteria provided, multiple submitters, no conflicts (2 of 4 stars). 3 submissions from 3 submitters: Uncertain significance (3). Last evaluated 2023-09-18.

Conditions:
Inborn genetic diseases. Identifiers: MedGen C0950123, MeSH D030342.
ANXA11-related disorder. Also called: ANXA11-related condition.

Allele frequency attached by ClinVar (database versions not stated): gnomAD exomes 0.00001; ExAC 0.00003.
gnomAD v4.1: 10 of 1,607,758 alleles (0.00062%); highest among the groups gnomAD compares: South Asian, 0.0088%; no homozygotes.

Submissions (3):

PreventionGenetics, part of Exact Sciences
Classification: Uncertain significance for ANXA11-related condition. Last evaluated: 2023-09-18. Review status: criteria provided, single submitter. Criteria: ACMG Guidelines, 2015. Collection method: clinical testing. Allele origin: germline.
Comment: The ANXA11 c.190A>G variant is predicted to result in the amino acid substitution p.Thr64Ala. To our knowledge, this variant has not been reported in the literature. This variant is reported in 0.0099% of alleles in individuals of South Asian descent in gnomAD. At this time, the clinical significance of this variant is uncertain due to the absence of conclusive functional and genetic evidence.

Labcorp Genetics (formerly Invitae), Labcorp
Classification: Uncertain significance. Last evaluated: 2023-07-25. Review status: criteria provided, single submitter. Criteria: Invitae Variant Classification Sherloc (09022015). Collection method: clinical testing. Allele origin: germline.
Comment: In summary, the available evidence is currently insufficient to determine the role of this variant in disease. Therefore, it has been classified as a Variant of Uncertain Significance. Experimental studies and prediction algorithms are not available or were not evaluated, and the functional significance of this variant is currently unknown. ClinVar contains an entry for this variant (Variation ID: 2208441). This variant has not been reported in the literature in individuals affected with ANXA11-related conditions. This variant is present in population databases (rs775879177, gnomAD 0.01%). This sequence change replaces threonine, which is neutral and polar, with alanine, which is neutral and non-polar, at codon 64 of the ANXA11 protein (p.Thr64Ala).

Ambry Genetics
Classification: Uncertain significance for Inborn genetic diseases. Last evaluated: 2022-07-06. Review status: criteria provided, single submitter. Criteria: Ambry Variant Classification Scheme 2023. Collection method: clinical testing. Allele origin: germline.